The following is an entry in ClinVar:

NM_004815.4(ARHGAP29):c.2905+8G>A

Gene: ARHGAP29 (Rho GTPase activating protein 29; minus strand). Cytogenetic location: 1p22.1.
Variant type: single nucleotide variant.
Coding change: c.2905+8G>A on transcript NM_004815.4 (MANE Select); 8 bases into the intron after coding-DNA position 2905, G replaced by A.
Molecular consequence: intron variant.
Genome position (GRCh38, 1-based): chr1:94,177,604, C>T on the plus strand (G>A on the coding strand, the complement: ARHGAP29 is on the minus strand). VCF-style: chr1-94177604-C-T. GRCh37 (hg19) VCF-style: chr1-94643160-C-T.
Other names: c.2713+8G>A (NM_001328665.2, NM_001328667.2); c.2905+8G>A (NM_001328664.2); c.2878+8G>A (NM_001328666.2).
Identifiers: ClinVar variation 780083 (VCV000780083.26), dbSNP rs146090842, ClinGen allele CA959178.

ClinVar aggregate classification (germline): Benign/Likely benign. Review status: criteria provided, multiple submitters, no conflicts (2 of 4 stars). 3 submissions from 3 submitters: Benign (1); Likely benign (2). Last evaluated 2024-11-21.

Allele frequency attached by ClinVar (database versions not stated): 1000 Genomes Project 30x 0.00078; 1000 Genomes Project 0.00080; TOPMed 0.00187; gnomAD 0.00213 and 0.00220; ExAC 0.00229; ESP Exome Variant Server 0.00284.
gnomAD v4.1: 4,256 of 1,584,400 alleles (0.27%); highest among the groups gnomAD compares: Non-Finnish European, 0.34%; 7 homozygotes.

Submissions (3):

Blueprint Genetics
Classification: Likely benign. Last evaluated: 2024-11-21. Review status: criteria provided, single submitter. Criteria: ACMG Guidelines, 2015. Collection method: clinical testing. Allele origin: germline.

CeGaT Center for Human Genetics Tuebingen
Classification: Likely benign. Last evaluated: 2023-12-01. Review status: criteria provided, single submitter. Criteria: CeGaT Center For Human Genetics Tuebingen Variant Classification Criteria Version 2. Collection method: clinical testing. Allele origin: germline. Affected: yes. Observed: 1 variant allele.
Comment: ARHGAP29: BP4

Labcorp Genetics (formerly Invitae), Labcorp
Classification: Benign. Last evaluated: 2018-12-10. Review status: criteria provided, single submitter. Criteria: Invitae Variant Classification Sherloc (09022015). Collection method: clinical testing. Allele origin: germline.